The following is an entry in ClinVar:

NM_001364905.1(LRBA):c.40A>G (p.Thr14Ala)

Gene: LRBA (LPS responsive beige-like anchor protein; minus strand). Cytogenetic location: 4q31.3.
Variant type: single nucleotide variant.
Coding change: c.40A>G on transcript NM_001364905.1 (MANE Select); coding-DNA position 40, A replaced by G.
Protein change: p.Thr14Ala; replaces threonine 14 with alanine.
Molecular consequence: missense variant.
Genome position (GRCh38, 1-based): chr4:151,014,603, T>C on the plus strand (A>G on the coding strand, the complement: LRBA is on the minus strand). VCF-style: chr4-151014603-T-C. GRCh37 (hg19) VCF-style: chr4-151935755-T-C.
Other names: c.40A>G, p.Thr14Ala (NM_001199282.3, NM_001367550.1, NM_006726.5); short protein forms T14A.
Identifiers: ClinVar variation 954328 (VCV000954328.7), dbSNP rs1200143430, ClinGen allele CA358611190.

ClinVar aggregate classification (germline): Uncertain significance (1 of 4 stars; one submission).

Conditions:
Combined immunodeficiency due to LRBA deficiency. Also called: Common variable immunodeficiency 8, with autoimmunity. Identifiers: Orphanet 445018, MedGen C3553512, MONDO:0013863, OMIM 614700.

gnomAD v4.1: 4 of 1,610,070 alleles (0.00025%); highest among the groups gnomAD compares: Admixed American, 0.0067%; no homozygotes.

Submission:

Labcorp Genetics (formerly Invitae), Labcorp
Classification: Uncertain significance for Combined immunodeficiency due to LRBA deficiency. Last evaluated: 2025-05-07. Review status: criteria provided, single submitter. Criteria: Invitae Variant Classification Sherloc (09022015). Collection method: clinical testing. Allele origin: germline.
Comment: This sequence change replaces threonine, which is neutral and polar, with alanine, which is neutral and non-polar, at codon 14 of the LRBA protein (p.Thr14Ala). This variant is present in population databases (no rsID available, gnomAD 0.006%). This missense change has been observed in individual(s) with myelin oligodendrocyte glycoprotein antibody-associated disease (PMID: 35960392). ClinVar contains an entry for this variant (Variation ID: 954328). An algorithm developed to predict the effect of missense changes on protein structure and function (PolyPhen-2) suggests that this variant is likely to be disruptive. In summary, the available evidence is currently insufficient to determine the role of this variant in disease. Therefore, it has been classified as a Variant of Uncertain Significance.

Literature cited by the submitters: PubMed 35960392.